The following is an entry in ClinVar:

ClinVar aggregate classification (germline): Uncertain significance (1 of 4 stars; one submission).

Conditions:
Familial cancer of breast. Also called: BREAST CANCER, FAMILIAL; hereditary breast carcinoma; Hereditary breast cancer. Identifiers: Orphanet 227535, MedGen C0346153, MONDO:0016419, OMIM 114480. Disease mechanism: loss of function.

Submission:

Labcorp Genetics (formerly Invitae), Labcorp
Classification: Uncertain significance for Familial cancer of breast. Last evaluated: 2025-07-31. Review status: criteria provided, single submitter. Criteria: Invitae Variant Classification Sherloc (09022015). Collection method: clinical testing. Allele origin: germline.
Comment: This sequence change replaces isoleucine, which is neutral and non-polar, with phenylalanine, which is neutral and non-polar, at codon 416 of the CHEK2 protein (p.Ile416Phe). This variant is not present in population databases (gnomAD no frequency). This variant has not been reported in the literature in individuals affected with CHEK2-related conditions. ClinVar contains an entry for this variant (Variation ID: 665698). An algorithm developed to predict the effect of missense changes on protein structure and function (PolyPhen-2) suggests that this variant is likely to be disruptive. In summary, the available evidence is currently insufficient to determine the role of this variant in disease. Therefore, it has been classified as a Variant of Uncertain Significance.

NM_007194.4(CHEK2):c.1246A>T (p.Ile416Phe)

Gene: CHEK2 (checkpoint kinase 2; minus strand). Cytogenetic location: 22q12.1.
Variant type: single nucleotide variant.
Coding change: c.1246A>T on transcript NM_007194.4 (MANE Select); coding-DNA position 1246, A replaced by T.
Protein change: p.Ile416Phe; replaces isoleucine 416 with phenylalanine.
Molecular consequence: missense variant.
Genome position (GRCh38, 1-based): chr22:28,695,723, T>A on the plus strand (A>T on the coding strand, the complement: CHEK2 is on the minus strand). VCF-style: chr22-28695723-T-A. GRCh37 (hg19) VCF-style: chr22-29091711-T-A.
Other names: c.1375A>T, p.Ile459Phe (NM_001005735.3); c.583A>T, p.Ile195Phe (NM_001257387.3); c.1045A>T, p.Ile349Phe (NM_001349956.3); c.1159A>T, p.Ile387Phe (NM_145862.3); short protein forms I387F, I459F, I349F, I195F, I416F.
Identifiers: ClinVar variation 665698 (VCV000665698.9), dbSNP rs1601721850, ClinGen allele CA411096562.